The following is an entry in ClinVar:

ClinVar aggregate classification (germline): Uncertain significance. Review status: criteria provided, multiple submitters, no conflicts (2 of 4 stars). 3 submissions from 3 submitters: Uncertain significance (3). Last evaluated 2025-07-16.

Conditions:
Aortic aneurysm, familial thoracic 4 (AAT4). Also called: AORTIC ANEURYSM/AORTIC DISSECTION AND PATENT DUCTUS ARTERIOSUS. Identifiers: MedGen C1851504, MONDO:0007568, OMIM 132900.
Familial thoracic aortic aneurysm and aortic dissection (TAAD). Also called: Thoracic aortic aneurysms and dissections. Identifiers: Orphanet 91387, MedGen C4707243, MONDO:0019625.

Submissions (3):

Labcorp Genetics (formerly Invitae), Labcorp
Classification: Uncertain significance for Aortic aneurysm, familial thoracic 4. Last evaluated: 2025-07-16. Review status: criteria provided, single submitter. Criteria: Invitae Variant Classification Sherloc (09022015). Collection method: clinical testing. Allele origin: germline.
Comment: This variant, c.4607_4619delinsGACTTCTCCAGCT, is a complex sequence change that results in the deletion of 5 and insertion of 5 amino acid(s) in the MYH11 protein (p.Glu1536_Ser1540delinsGlyLeuLeuGlnLeu). Information on the frequency of this variant in the gnomAD database is not available, as this variant may be reported differently in the database. This variant has not been reported in the literature in individuals affected with MYH11-related conditions. ClinVar contains an entry for this variant (Variation ID: 2136116). Experimental studies and prediction algorithms are not available or were not evaluated, and the functional significance of this variant is currently unknown. In summary, the available evidence is currently insufficient to determine the role of this variant in disease. Therefore, it has been classified as a Variant of Uncertain Significance.

Color Diagnostics, LLC DBA Color Health
Classification: Uncertain significance for Familial thoracic aortic aneurysm and aortic dissection. Last evaluated: 2023-12-04. Review status: criteria provided, single submitter. Criteria: ACMG Guidelines, 2015. Collection method: clinical testing. Allele origin: germline.
Comment: This variant changes five consecutive amino acids of the MYH11 protein. To our knowledge, functional studies have not been reported for this variant. This variant has not been reported in individuals affected with cardiovascular disorders in the literature. This variant has not been identified in the general population by the Genome Aggregation Database (gnomAD). The available evidence is insufficient to determine the role of this variant in disease conclusively. Therefore, this variant is classified as a Variant of Uncertain Significance.

GeneDx
Classification: Uncertain significance. Last evaluated: 2022-07-18. Review status: criteria provided, single submitter. Criteria: GeneDx Variant Classification Process June 2021. Collection method: clinical testing. Allele origin: germline. Affected: yes.
Comment: Not observed at significant frequency in large population cohorts (gnomAD); In-frame deletion of 5 amino acids and insertion of 5 different amino acids in a non-repeat region; In silico analysis supports a deleterious effect on protein structure/function; Has not been previously published as pathogenic or benign to our knowledge

NM_002474.3(MYH11):c.4586_4598inv (p.Glu1529_Ser1533delinsGlyLeuLeuGlnLeu)

Genes: NDE1 (nudE neurodevelopment protein 1; plus strand), MYH11 (myosin heavy chain 11; minus strand). Cytogenetic location: 16p13.11.
Variant type: Inversion.
Coding change: c.4586_4598inv on transcript NM_002474.3 (MANE Select).
Protein change: p.Glu1529_Ser1533delinsGlyLeuLeuGlnLeu.
Molecular consequence: missense variant. On other transcripts: intron variant (2).
Genome position: GRCh38 VCF-style: chr16-15721032-GACTTCTCCAGCT-AGCTGGAGAAGTC. GRCh37 (hg19) VCF-style: chr16-15814889-GACTTCTCCAGCT-AGCTGGAGAAGTC.
Other names: c.4607_4619delinsGACTTCTCCAGCT (NM_001040113.2); c.4607_4619inv, p.Glu1536_Ser1540delinsGlyLeuLeuGlnLeu (NM_001040113.2, NM_001040114.2); c.4586_4598inv, p.Glu1529_Ser1533delinsGlyLeuLeuGlnLeu (NM_022844.3); c.948-3159_948-3147inv (NM_001143979.2, NM_017668.3).
Identifiers: ClinVar variation 2136116 (VCV002136116.4), ClinGen allele CA2580090791.